The following is an entry in ClinVar:

ClinVar aggregate classification (germline): Benign. Review status: criteria provided, multiple submitters, no conflicts (2 of 4 stars). 11 submissions from 11 submitters: Benign (9). 2 of the submissions do not count toward it. Last evaluated 2026-02-04.

Conditions:
Combined immunodeficiency due to LRBA deficiency. Also called: Common variable immunodeficiency 8, with autoimmunity. Identifiers: Orphanet 445018, MedGen C3553512, MONDO:0013863, OMIM 614700.

Allele frequency attached by ClinVar (database versions not stated): 1000 Genomes Project 0.52296; 1000 Genomes Project 30x 0.52389; TOPMed 0.60655; gnomAD 0.62993; ESP Exome Variant Server 0.64586.
gnomAD v4.1: 1,033,487 of 1,594,122 alleles (65%); highest among the groups gnomAD compares: Non-Finnish European, 68%; 340,421 homozygotes.

Submissions (11):

Labcorp Genetics (formerly Invitae), Labcorp
Classification: Benign for Combined immunodeficiency due to LRBA deficiency. Last evaluated: 2026-02-04. Review status: criteria provided, single submitter. Criteria: Invitae Variant Classification Sherloc (09022015). Collection method: clinical testing. Allele origin: germline.

Women's Health and Genetics/Laboratory Corporation of America, LabCorp
Classification: Benign. Last evaluated: 2026-01-21. Review status: criteria provided, single submitter. Criteria: LabCorp Variant Classification Summary - May 2015. Collection method: clinical testing. Allele origin: germline.

Blueprint Genetics
Classification: Benign. Last evaluated: 2024-11-26. Review status: criteria provided, single submitter. Criteria: ACMG Guidelines, 2015. Collection method: clinical testing. Allele origin: germline.

Unidad de Genómica Garrahan, Hospital de Pediatría Garrahan
Classification: Benign. Last evaluated: 2023-11-12. Review status: criteria provided, single submitter. Criteria: ACMG Guidelines, 2015. Collection method: clinical testing. Allele origin: germline. Affected: no. Observed: 65 variant alleles.
Comment: This variant is classified as Benign based on local population frequency. This variant was detected in 68% of patients studied by a panel of primary immunodeficiencies. Number of patients: 65. Only high quality variants are reported.

Genome-Nilou Lab
Classification: Benign for Combined immunodeficiency due to LRBA deficiency. Last evaluated: 2021-08-19. Review status: criteria provided, single submitter. Criteria: ACMG Guidelines, 2015. Collection method: clinical testing. Allele origin: germline. Affected: no.

GeneDx
Classification: Benign. Last evaluated: 2018-11-12. Review status: criteria provided, single submitter. Criteria: GeneDx Variant Classification Process June 2021. Collection method: clinical testing. Allele origin: germline. Affected: yes.

Mayo Clinic Laboratories, Mayo Clinic
Classification: Benign. Last evaluated: 2016-10-14. Review status: criteria provided, single submitter. Criteria: ACMG Guidelines, 2015. Collection method: clinical testing. Allele origin: germline. Observed: 965 variant alleles.

Laboratory for Molecular Medicine, Mass General Brigham Personalized Medicine
Classification: Benign. Last evaluated: 2016-03-29. Review status: criteria provided, single submitter. Criteria: LMM Criteria. Collection method: clinical testing. Allele origin: germline.
Comment: Variant identified in a genome or exome case(s) and assessed due to predicted null impact of the variant or pathogenic assertions in the literature or databases. Disclaimer: This variant has not undergone full assessment. The following are preliminary notes: Frequency

Breakthrough Genomics
Classification: Benign. Review status: criteria provided, single submitter. Criteria: ACMG Guidelines, 2015. Collection method: not provided. Allele origin: germline. Inheritance: Autosomal recessive inheritance. Affected: yes.

Diagnostic Laboratory, Department of Genetics, University Medical Center Groningen
Classification: Benign. Review status: no assertion criteria provided. Collection method: clinical testing. Allele origin: germline. Affected: yes. Study: VKGL Data-share Consensus. Not counted in ClinVar's aggregate classification.

Joint Genome Diagnostic Labs from Nijmegen and Maastricht, Radboudumc and MUMC+
Classification: Benign. Review status: no assertion criteria provided. Collection method: clinical testing. Allele origin: germline. Affected: yes. Study: VKGL Data-share Consensus. Not counted in ClinVar's aggregate classification.

NM_001364905.1(LRBA):c.7849+10A>G

Gene: LRBA (LPS responsive beige-like anchor protein; minus strand). Cytogenetic location: 4q31.3.
Variant type: single nucleotide variant.
Coding change: c.7849+10A>G on transcript NM_001364905.1 (MANE Select); 10 bases into the intron after coding-DNA position 7849, A replaced by G.
Molecular consequence: intron variant.
Genome position (GRCh38, 1-based): chr4:150,310,219, T>C on the plus strand (A>G on the coding strand, the complement: LRBA is on the minus strand). VCF-style: chr4-150310219-T-C. GRCh37 (hg19) VCF-style: chr4-151231371-T-C.
Other names: p.?; c.7864+10A>G (NM_001367550.1, NM_001440431.1); c.7882+10A>G (NM_006726.5); c.7849+10A>G (NM_001199282.3); c.7897+10A>G (NM_001440430.1); c.1567+10A>G (NM_001440432.1); c.1561+10A>G (NM_001440433.1).
Identifiers: ClinVar variation 403049 (VCV000403049.29), dbSNP rs1813134, ClinGen allele CA3101512.